The following is an entry in ClinVar:

NM_000540.3(RYR1):c.3156C>A (p.Ile1052=)

Gene: RYR1 (ryanodine receptor 1; plus strand). Cytogenetic location: 19q13.2.
Variant type: single nucleotide variant.
Coding change: c.3156C>A on transcript NM_000540.3 (MANE Select); coding-DNA position 3156, C replaced by A.
Protein change: p.Ile1052=; no amino-acid change (isoleucine 1052 retained).
Molecular consequence: synonymous variant.
Genome position (GRCh38, 1-based): chr19:38,466,376, C>A. VCF-style: chr19-38466376-C-A. GRCh37 (hg19) VCF-style: chr19-38957016-C-A.
Other names: p.Ile1052=; c.3156C>A, p.Ile1052= (NM_001042723.2).
Identifiers: ClinVar variation 2899069 (VCV002899069.5), dbSNP rs368131832, ClinGen allele CA507234358.

ClinVar aggregate classification (germline): Likely benign. Review status: criteria provided, multiple submitters, no conflicts (2 of 4 stars). 3 submissions from 3 submitters: Likely benign (3). Last evaluated 2025-08-25.

Conditions:
Malignant hyperthermia, susceptibility to, 1 (MHS1). Also called: Malignant hyperthermia suceptibility 1; Anesthesia related hyperthermia; Malignant hyperpyrexia; Fulminating hyperpyrexia; Pharmacogenic myopathy; RYR1-Related Malignant Hyperthermia Susceptibility. Identifiers: Orphanet 423, MedGen C2930980, MONDO:0007783, OMIM 145600.
RYR1-related disorder. Also called: RYR1-related condition; RYR1-related disorders. Identifiers: MedGen CN239331.

gnomAD v4.1: 3 of 1,556,094 alleles (0.00019%); highest among the groups gnomAD compares: Non-Finnish European, 0.00026%; no homozygotes.

Submissions (3):

Mayo Clinic Laboratories, Mayo Clinic
Classification: Likely benign. Last evaluated: 2025-08-25. Review status: criteria provided, single submitter. Criteria: ACMG Guidelines, 2015. Collection method: clinical testing. Allele origin: germline. Observed: 1 variant allele.
Comment: BP4, BP7

Labcorp Genetics (formerly Invitae), Labcorp
Classification: Likely benign for RYR1-related disorder. Last evaluated: 2024-07-02. Review status: criteria provided, single submitter. Criteria: Invitae Variant Classification Sherloc (09022015). Collection method: clinical testing. Allele origin: germline.

Color Diagnostics, LLC DBA Color Health
Classification: Likely benign for Malignant hyperthermia, susceptibility to, 1. Last evaluated: 2022-11-06. Review status: criteria provided, single submitter. Criteria: ACMG Guidelines, 2015. Collection method: clinical testing. Allele origin: germline.